The following is an entry in ClinVar:

ClinVar aggregate classification (germline): Uncertain significance (1 of 4 stars; one submission).

Submission:

Labcorp Genetics (formerly Invitae), Labcorp
Classification: Uncertain significance. Last evaluated: 2022-06-20. Review status: criteria provided, single submitter. Criteria: Invitae Variant Classification Sherloc (09022015). Collection method: clinical testing. Allele origin: germline.
Comment: In summary, the available evidence is currently insufficient to determine the role of this variant in disease. Therefore, it has been classified as a Variant of Uncertain Significance. Experimental studies and prediction algorithms are not available or were not evaluated, and the functional significance of this variant is currently unknown. This variant has not been reported in the literature in individuals affected with KMT2A-related conditions. This variant is not present in population databases (gnomAD no frequency). This variant, c.10505_10531del, results in the deletion of 9 amino acid(s) of the KMT2A protein (p.Lys3502_Ala3510del), but otherwise preserves the integrity of the reading frame.

NM_001197104.2(KMT2A):c.10505_10531del (p.Lys3502_Ala3510del)

Gene: KMT2A (lysine methyltransferase 2A; plus strand). Cytogenetic location: 11q23.3.
Variant type: Deletion.
Coding change: c.10505_10531del on transcript NM_001197104.2 (MANE Select); coding-DNA positions 10505 to 10531, 27 bases deleted (AGGCTTTATCCTCAGCTGTGCAAGCCA).
Protein change: p.Lys3502_Ala3510del.
Molecular consequence: inframe deletion.
Genome position (GRCh38, 1-based): chr11:118,506,397-118,506,423, AGGCTTTATCCTCAGCTGTGCAAGCCA deleted; deleting any 27 consecutive bases within chr11:118,506,395-118,506,423 gives the same sequence; the c. name uses the placement nearest the transcript's 3' end. VCF-style (leftmost placement, unchanged base first): chr11-118506394-ACAAGGCTTTATCCTCAGCTGTGCAAGC-A. GRCh37 (hg19) VCF-style: chr11-118377109-ACAAGGCTTTATCCTCAGCTGTGCAAGC-A.
Other names: c.10496_10522del, p.Lys3499_Ala3507del (NM_005933.4).
Identifiers: ClinVar variation 1395407 (VCV001395407.8), dbSNP rs2134413245, ClinGen allele CA2573146946.